The following is an entry in ClinVar:

ClinVar aggregate classification (germline): Pathogenic (1 of 4 stars; one submission).

Conditions:
Congenital hyperammonemia, type I. Also called: CPS I DEFICIENCY; Carbamoyl phosphate synthetase 1 deficiency; Hyperammonemia due to carbamoyl phosphate synthetase 1 deficiency; CPS 1 deficiency; Carbamyl phosphate synthetase (CPS) deficiency; Carbamoyl phosphate synthetase I deficiency disease. Identifiers: Orphanet 147, MedGen C4082171, MONDO:0009376, OMIM 237300.

Submission:

Myriad Genetics, Inc.
Classification: Pathogenic for Congenital hyperammonemia, type I. Last evaluated: 2024-12-15. Review status: criteria provided, single submitter. Criteria: Myriad Autosomal Dominant, Autosomal Recessive and X-Linked Classification Criteria (2023). Collection method: clinical testing. Allele origin: unknown.
Comment: NM_001875.4(CPS1):c.3945G>A(W1315*) is expected to be pathogenic in the context of carbamoylphosphate synthetase I deficiency. This variant is predicted to lead to an abnormal or absent protein product due to the creation of a premature termination codon in CPS1, a gene where loss-of-function variants are known to be pathogenic. Please note: this variant was assessed in the context of healthy population screening.

NM_001875.5(CPS1):c.3945G>A (p.Trp1315Ter)

Gene: CPS1 (carbamoyl-phosphate synthase 1; plus strand). Cytogenetic location: 2q34.
Variant type: single nucleotide variant.
Coding change: c.3945G>A on transcript NM_001875.5 (MANE Select); coding-DNA position 3945, G replaced by A.
Protein change: p.Trp1315Ter; replaces tryptophan 1315 with a stop codon.
Molecular consequence: nonsense. On other transcripts: non-coding transcript variant (2).
Genome position (GRCh38, 1-based): chr2:210,663,140, G>A. VCF-style: chr2-210663140-G-A. GRCh37 (hg19) VCF-style: chr2-211527864-G-A.
Other names: c.3945G>A, p.Trp1315Ter (NM_001122633.3, NM_001369257.1); c.3978G>A, p.Trp1326Ter (NM_001369256.1); short protein forms W1315*, W1326*.
Identifiers: ClinVar variation 5015761 (VCV005015761.1).